The following is an entry in ClinVar:

Conditions:
Arteriohepatic dysplasia. Also called: Alagille Syndrome. Identifiers: Orphanet 52, MedGen C0085280, MeSH D016738, MONDO:0007318.

Submission:

Gilbert/Spinner Lab, Children's Hospital of Philadelphia
No classification provided (evidence only). Condition: Alagille syndrome. Review status: no classification provided. Collection method: research. Allele origin: not applicable. Functional consequence: functionally_abnormal.
ClinVar note: "not provided" was previously submitted as the classification for the variant. However, the classification appeared to be based only on an observation of functional data so it was converted to no classification on 2025-07-30.

NM_000214.3(JAG1):c.916T>A (p.Cys306Ser)

Gene: JAG1 (jagged canonical Notch ligand 1; minus strand). Cytogenetic location: 20p12.2.
Variant type: single nucleotide variant.
Coding change: c.916T>A on transcript NM_000214.3 (MANE Select); coding-DNA position 916, T replaced by A.
Protein change: p.Cys306Ser; replaces cysteine 306 with serine.
Molecular consequence: missense variant.
Genome position (GRCh38, 1-based): chr20:10,652,221, A>T on the plus strand (T>A on the coding strand, the complement: JAG1 is on the minus strand). VCF-style: chr20-10652221-A-T. GRCh37 (hg19) VCF-style: chr20-10632869-A-T.
Other names: short protein forms C306S.
Identifiers: ClinVar variation 3573188 (VCV003573188.2).